The following is an entry in ClinVar:

NM_000179.3(MSH6):c.509C>G (p.Pro170Arg)

Gene: MSH6 (mutS homolog 6; plus strand). Cytogenetic location: 2p16.3.
Variant type: single nucleotide variant.
Coding change: c.509C>G on transcript NM_000179.3 (MANE Select); coding-DNA position 509, C replaced by G.
Protein change: p.Pro170Arg; replaces proline 170 with arginine.
Molecular consequence: missense variant. On other transcripts: 5 prime UTR variant (1), intron variant (2).
Genome position (GRCh38, 1-based): chr2:47,795,945, C>G. VCF-style: chr2-47795945-C-G. GRCh37 (hg19) VCF-style: chr2-48023084-C-G.
Other names: c.-394C>G (NM_001281494.2); c.-279-2666C>G (NM_001281493.2); c.238-2666C>G (NM_001281492.2); short protein forms P170R.
Identifiers: ClinVar variation 570413 (VCV000570413.16), dbSNP rs985845102, ClinGen allele CA46703263.

ClinVar aggregate classification (germline): Conflicting classifications of pathogenicity. Review status: criteria provided, conflicting classifications (1 of 4 stars). 4 submissions from 4 submitters: Uncertain significance (3); Benign (1). Last evaluated 2024-05-01.

Conditions:
Hereditary nonpolyposis colorectal neoplasms. Identifiers: MedGen C0009405, MeSH D003123.
Hereditary cancer-predisposing syndrome. Also called: Hereditary neoplastic syndrome; Tumor predisposition; Neoplastic Syndromes, Hereditary; Hereditary Cancer Syndrome. Identifiers: Orphanet 140162, MedGen C0027672, MeSH D009386, MONDO:0015356.

Allele frequency attached by ClinVar (database versions not stated): gnomAD 0.00001; TOPMed 0.00001.

Submissions (4):

Labcorp Genetics (formerly Invitae), Labcorp
Classification: Benign for Hereditary nonpolyposis colorectal neoplasms. Last evaluated: 2024-05-01. Review status: criteria provided, single submitter. Criteria: Invitae Variant Classification Sherloc (09022015). Collection method: clinical testing. Allele origin: germline.

GeneDx
Classification: Uncertain significance. Last evaluated: 2024-04-22. Review status: criteria provided, single submitter. Criteria: GeneDx Variant Classification Process June 2021. Collection method: clinical testing. Allele origin: germline. Affected: yes.
Comment: Not observed at significant frequency in large population cohorts (gnomAD); In silico analysis supports that this missense variant has a deleterious effect on protein structure/function; Has not been previously published as pathogenic or benign to our knowledge

Ambry Genetics
Classification: Uncertain significance for Hereditary cancer-predisposing syndrome. Last evaluated: 2023-12-08. Review status: criteria provided, single submitter. Criteria: Ambry Variant Classification Scheme 2023. Collection method: clinical testing. Allele origin: germline.
Comment: The p.P170R variant (also known as c.509C>G), located in coding exon 3 of the MSH6 gene, results from a C to G substitution at nucleotide position 509. The proline at codon 170 is replaced by arginine, an amino acid with dissimilar properties. This amino acid position is well conserved in available vertebrate species. In addition, this alteration is predicted to be tolerated by in silico analysis. Since supporting evidence is limited at this time, the clinical significance of this alteration remains unclear.

Color Diagnostics, LLC DBA Color Health
Classification: Uncertain significance for Hereditary cancer-predisposing syndrome. Last evaluated: 2020-10-05. Review status: criteria provided, single submitter. Criteria: ACMG Guidelines, 2015. Collection method: clinical testing. Allele origin: germline.
Comment: This missense variant replaces proline with arginine at codon 170 of the MSH6 protein. Computational prediction suggests that this variant may not impact protein structure and function (internally defined REVEL score threshold <= 0.5, PMID: 27666373). To our knowledge, functional studies have not been reported for this variant. This variant has not been reported in individuals affected with hereditary cancer in the literature. This variant has been identified in 1/31394 chromosomes in the general population by the Genome Aggregation Database (gnomAD). The available evidence is insufficient to determine the role of this variant in disease conclusively. Therefore, this variant is classified as a Variant of Uncertain Significance.